The following is an entry in ClinVar:

ClinVar aggregate classification (germline): Pathogenic (1 of 4 stars; one submission).

Conditions:
X-linked cone-rod dystrophy 1 (CORDX1). Identifiers: Orphanet 1872, MedGen C1844776, MONDO:0010566, OMIM 304020.

Submission:

Foundation for Research in Genetics and Endocrinology, FRIGE's Institute of Human Genetics
Classification: Pathogenic for X-linked cone-rod dystrophy 1. Last evaluated: 2022-02-22. Review status: criteria provided, single submitter. Criteria: ACMG Guidelines, 2015. Collection method: clinical testing. Allele origin: germline. Inheritance: X-linked recessive inheritance. Affected: yes. Observed: 1 hemizygote.
Comment: A hemizygous single base pair deletion in exon 15 of the RPGR gene that results in a frameshift and premature truncation of the protein 251amino acids downstream to codon 838 was detected. The p.Glu838ArgfsTer251 variant has not been reported in the 1000 genomes and gnomAD databases. The reference codon is conserved across species. In summary, the variant meets our criteria to be classified as pathogenic.

NM_001034853.2(RPGR):c.2512del (p.Glu838fs)

Gene: RPGR (retinitis pigmentosa GTPase regulator; minus strand). Cytogenetic location: Xp11.4.
Variant type: Deletion.
Coding change: c.2512del on transcript NM_001034853.2 (MANE Select); coding-DNA position 2512, one base deleted (G; older notation c.2512delG).
Protein change: p.Glu838fs; shifts the reading frame from glutamic acid 838.
Molecular consequence: frameshift variant. On other transcripts: intron variant (8).
Genome position (GRCh38, 1-based): chrX:38,286,487, C deleted on the plus strand (G on the coding strand, the reverse complement: RPGR is on the minus strand); the first of 2 consecutive C bases (chrX:38,286,487-38,286,488); deleting either gives the same sequence. VCF-style (leftmost placement, unchanged base first): chrX-38286486-TC-T. GRCh37 (hg19) VCF-style: chrX-38145739-TC-T.
Other names: p.Glu838ArgfsTer251; c.1569+4472del (NM_001367249.1, NM_001367250.1); c.1902+607del (NM_001367245.1); c.1386+4472del (NM_001367251.1); c.1719+607del (NM_001367246.1); c.1572+4472del (NM_001367247.1); c.1905+607del (NM_000328.3); c.1602+4472del (NM_001367248.1); short protein forms E838fs.
Identifiers: ClinVar variation 1701807 (VCV001701807.3), dbSNP rs2147197281, ClinGen allele CA2580100909.